The following is an entry in ClinVar:

NM_145178.4(ATOH7):c.170A>G (p.Asn57Ser)

Gene: ATOH7 (atonal bHLH transcription factor 7; minus strand). Cytogenetic location: 10q21.3.
Variant type: single nucleotide variant.
Coding change: c.170A>G on transcript NM_145178.4 (MANE Select); coding-DNA position 170, A replaced by G.
Protein change: p.Asn57Ser; replaces asparagine 57 with serine.
Molecular consequence: missense variant.
Genome position (GRCh38, 1-based): chr10:68,231,508, T>C on the plus strand (A>G on the coding strand, the complement: ATOH7 is on the minus strand). VCF-style: chr10-68231508-T-C. GRCh37 (hg19) VCF-style: chr10-69991265-T-C.
Other names: c.170A>G (NM_145178.2); short protein forms N57S.
Identifiers: ClinVar variation 999171 (VCV000999171.9), dbSNP rs371351155, ClinGen allele CA5523377.

ClinVar aggregate classification (germline): Uncertain significance. Review status: criteria provided, multiple submitters, no conflicts (2 of 4 stars). 3 submissions from 3 submitters: Uncertain significance (3). Last evaluated 2024-12-02.

Allele frequency attached by ClinVar (database versions not stated): TOPMed 0.00001; gnomAD exomes 0.00002; gnomAD 0.00003 and 0.00004; ExAC 0.00004; ESP Exome Variant Server 0.00008.

Submissions (3):

Labcorp Genetics (formerly Invitae), Labcorp
Classification: Uncertain significance. Last evaluated: 2024-12-02. Review status: criteria provided, single submitter. Criteria: Invitae Variant Classification Sherloc (09022015). Collection method: clinical testing. Allele origin: germline.
Comment: This sequence change replaces asparagine, which is neutral and polar, with serine, which is neutral and polar, at codon 57 of the ATOH7 protein (p.Asn57Ser). This variant is present in population databases (rs371351155, gnomAD 0.005%). This variant has not been reported in the literature in individuals affected with ATOH7-related conditions. ClinVar contains an entry for this variant (Variation ID: 999171). An algorithm developed to predict the effect of missense changes on protein structure and function (PolyPhen-2) suggests that this variant is likely to be disruptive. In summary, the available evidence is currently insufficient to determine the role of this variant in disease. Therefore, it has been classified as a Variant of Uncertain Significance.

Ambry Genetics
Classification: Uncertain significance. Last evaluated: 2024-07-30. Review status: criteria provided, single submitter. Criteria: Ambry Variant Classification Scheme 2023. Collection method: clinical testing. Allele origin: germline.

Blueprint Genetics
Classification: Uncertain significance. Last evaluated: 2022-03-14. Review status: criteria provided, single submitter. Criteria: ACMG Guidelines, 2015. Collection method: clinical testing. Allele origin: germline.